The following is an entry in ClinVar:

NM_001191061.2(SLC25A22):c.-163-211del

Gene: SLC25A22 (solute carrier family 25 member 22; minus strand). Cytogenetic location: 11p15.5.
Variant type: Deletion.
Coding change: c.-163-211del on transcript NM_001191061.2 (MANE Select); 211 bases into the intron before 163 bases upstream of the start codon, one base deleted (T; older notation c.-163-211delT).
Molecular consequence: intron variant.
Genome position (GRCh38, 1-based): chr11:795,380, A deleted on the plus strand (T on the coding strand, the reverse complement: SLC25A22 is on the minus strand). VCF-style (leftmost placement, unchanged base first): chr11-795379-CA-C. GRCh37 (hg19) VCF-style: chr11-795379-CA-C.
Other names: c.-163-211del (NM_001191060.2, NM_024698.6).
Identifiers: ClinVar variation 670108 (VCV000670108.1), dbSNP rs56900465, ClinGen allele CA216948021.
Genomic context (GRCh38, chr11:795,379, plus strand): 5'-GCCACCCAGTCCCATGCTCACCCCTGGGACCACCTGGCTTCCTTTCAGTCCCCCCCTCCC[CA>C]CCGCCAGCGTCTTCCCAGCCAGCCTCACACGCCGCTCACGCTCGGGGCTCACGTGCACCC-3'

ClinVar aggregate classification (germline): Likely benign (1 of 4 stars; one submission).

Allele frequency attached by ClinVar (database versions not stated): gnomAD 0.00466 and 0.00495; gnomAD exomes 0.07239.

Submission:

GeneDx
Classification: Likely benign. Last evaluated: 2018-06-14. Review status: criteria provided, single submitter. Criteria: GeneDx Variant Classification (06012015). Collection method: clinical testing. Allele origin: germline. Affected: yes.
Comment: This variant is considered likely benign or benign based on one or more of the following criteria: it is a conservative change, it occurs at a poorly conserved position in the protein, it is predicted to be benign by multiple in silico algorithms, and/or has population frequency not consistent with disease.